The following is an entry in ClinVar:

ClinVar aggregate classification (germline): Conflicting classifications of pathogenicity. Review status: criteria provided, conflicting classifications (1 of 4 stars). 2 submissions from 2 submitters: Likely pathogenic (1); Uncertain significance (1). Last evaluated 2024-12-04.

Conditions:
Methylcobalamin deficiency type cblG (HMAG). Also called: HOMOCYSTINURIA-MEGALOBLASTIC ANEMIA, cblG COMPLEMENTATION TYPE; Functional methionine synthase deficiency type cblG; HOMOCYSTINURIA-MEGALOBLASTIC ANEMIA, cblG TYPE; HOMOCYSTINURIA-MEGALOBLASTIC ANEMIA DUE TO DEFECT IN COBALAMIN METABOLISM, cblG COMPLEMENTATION TYPE. Identifiers: Orphanet 2170, Orphanet 622, MedGen C1855128, MONDO:0009609, OMIM 250940.

Submissions (2):

Women's Health and Genetics/Laboratory Corporation of America, LabCorp
Classification: Uncertain significance. Last evaluated: 2024-12-04. Review status: criteria provided, single submitter. Criteria: LabCorp Variant Classification Summary - May 2015. Collection method: clinical testing. Allele origin: germline.
Comment: Variant summary: MTR c.2482G>A (p.Gly828Ser) results in a non-conservative amino acid change in the encoded protein sequence. Five of five in-silico tools predict a damaging effect of the variant on protein function. The frequency data for this variant in gnomAD is considered unreliable, as metrics indicate poor data quality at this position. c.2482G>A has been reported in the literature in an individual affected with methionine synthase deficiency (Vaisbich_2017). These data do not allow any conclusion about variant significance. To our knowledge, no experimental evidence demonstrating an impact on protein function has been reported. The following publication has been ascertained in the context of this evaluation (PMID: 28210839). ClinVar contains an entry for this variant (Variation ID: 801639). Based on the evidence outlined above, the variant was classified as uncertain significance.

Mendelics
Classification: Likely pathogenic for Methylcobalamin deficiency type cblG. Last evaluated: 2019-05-28. Review status: criteria provided, single submitter. Criteria: Mendelics Assertion Criteria 2017. Collection method: clinical testing. Allele origin: unknown.

Literature cited by the submitters: PubMed 28210839 (cited by Women's Health and Genetics/Laboratory Corporation of America, LabCorp).

NM_000254.3(MTR):c.2482G>A (p.Gly828Ser)

Gene: MTR (5-methyltetrahydrofolate-homocysteine methyltransferase; plus strand). Cytogenetic location: 1q43.
Variant type: single nucleotide variant.
Coding change: c.2482G>A on transcript NM_000254.3 (MANE Select); coding-DNA position 2482, G replaced by A.
Protein change: p.Gly828Ser; replaces glycine 828 with serine.
Molecular consequence: missense variant.
Genome position (GRCh38, 1-based): chr1:236,874,734, G>A. VCF-style: chr1-236874734-G-A. GRCh37 (hg19) VCF-style: chr1-237038034-G-A.
Other names: c.2329G>A, p.Gly777Ser (NM_001291939.1); c.1261G>A, p.Gly421Ser (NM_001291940.2); short protein forms G777S, G421S, G828S.
Identifiers: ClinVar variation 801639 (VCV000801639.2), dbSNP rs1413989228, ClinGen allele CA345381590.